The following is an entry in ClinVar:

NM_133379.5(TTN):c.13289G>A (p.Ser4430Asn)

Gene: TTN (titin; minus strand). Cytogenetic location: 2q31.2.
Variant type: single nucleotide variant.
Coding change: c.13289G>A on transcript NM_133379.5; coding-DNA position 13289, G replaced by A.
Protein change: p.Ser4430Asn; replaces serine 4430 with asparagine.
Molecular consequence: missense variant. On other transcripts: intron variant (6).
Genome position (GRCh38, 1-based): chr2:178,749,111, C>T on the plus strand (G>A on the coding strand, the complement: TTN is on the minus strand). VCF-style: chr2-178749111-C-T. GRCh37 (hg19) VCF-style: chr2-179613838-C-T.
Other names: p.S4430N:AGT>AAT; c.10222+4013G>A (NM_003319.4); c.10798+4013G>A (NM_133437.4); c.10597+4013G>A (NM_133432.3); c.10360+4013G>A (NM_133378.4, NM_001256850.1); c.11311+4013G>A (NM_001267550.2); short protein forms S4430N.
Identifiers: ClinVar variation 203196 (VCV000203196.2), dbSNP rs794729593, ClinGen allele CA311647.

ClinVar aggregate classification (germline): Uncertain significance (1 of 4 stars; one submission).

Allele frequency attached by ClinVar (database versions not stated): gnomAD exomes below 0.00001; gnomAD 0.00001.
gnomAD v4.1: 5 of 1,612,692 alleles (0.00031%); highest among the groups gnomAD compares: African/African-American, 0.0013%; no homozygotes.

Submission:

GeneDx
Classification: Uncertain significance. Last evaluated: 2014-05-20. Review status: criteria provided, single submitter. Criteria: GeneDx Variant Classification (06012015). Collection method: clinical testing. Allele origin: germline. Affected: yes.
Comment: Missense variants in the TTN gene are considered 'unclassified' if they are not previously reported in the literature and do not have >1% frequency in the population to be considered a polymorphism. Research indicates that truncating mutations in the TTN gene are expected to account for approximately 25% of familial and 18% of sporadic idiopathic DCM; however, truncating variants in the TTN gene have been reported in approximately 3% of reported control alleles. There has been little investigation into non-truncating variants. (Herman D et al. Truncations of titin causing dilated cardiomyopathy. N Eng J Med 366:619-628, 2012) The variant is found in DCM-CRDM panel(s).